The following is an entry in ClinVar:

NM_000834.5(GRIN2B):c.812C>G (p.Ala271Gly)

Gene: GRIN2B (glutamate ionotropic receptor NMDA type subunit 2B; minus strand). Cytogenetic location: 12p13.1.
Variant type: single nucleotide variant.
Coding change: c.812C>G on transcript NM_000834.5 (MANE Select); coding-DNA position 812, C replaced by G.
Protein change: p.Ala271Gly; replaces alanine 271 with glycine.
Molecular consequence: missense variant.
Genome position (GRCh38, 1-based): chr12:13,753,515, G>C on the plus strand (C>G on the coding strand, the complement: GRIN2B is on the minus strand). VCF-style: chr12-13753515-G-C. GRCh37 (hg19) VCF-style: chr12-13906449-G-C.
Other names: c.812C>G, p.Ala271Gly (NM_001413992.1, NM_001413993.1, NM_001413994.1 and 1 more transcripts); short protein forms A271G.
Identifiers: ClinVar variation 5041502 (VCV005041502.1).
Genomic context (GRCh38, chr12:13,753,515, plus strand): 5'-GCGGGGAGGCCATAGTCCCATTCATCATATGATACAGAGATGAGCCCAGTGGGGAACTCC[G>C]CAGGCACTGTGTCTGTATCCCCTGCCACCAGACTGGGCACGATCCACGTGTAGCCATAGC-3'
Protein context (NP_000825.2, residues 261-281): LVAGDTDTVP[Ala271Gly]EFPTGLISVS

ClinVar aggregate classification (germline): Uncertain significance (1 of 4 stars; one submission).

Submission:

CeGaT Center for Human Genetics Tuebingen
Classification: Uncertain significance. Last evaluated: 2026-09-01. Review status: criteria provided, single submitter. Criteria: CeGaT Center For Human Genetics Tuebingen Variant Classification Criteria Version 2. Collection method: clinical testing. Allele origin: germline. Affected: yes. Observed: 1 variant allele.
Comment: GRIN2B: PM2, BP4